The following is an entry in ClinVar:

ClinVar aggregate classification (germline): Uncertain significance. Review status: criteria provided, multiple submitters, no conflicts (2 of 4 stars). 2 submissions from 2 submitters: Uncertain significance (2). Last evaluated 2025-09-05.

Conditions:
Malignant hyperthermia, susceptibility to, 1 (MHS1). Also called: Anesthesia related hyperthermia; Malignant hyperpyrexia; Fulminating hyperpyrexia; Pharmacogenic myopathy; RYR1-Related Malignant Hyperthermia Susceptibility; Malignant hyperthermia suceptibility 1. Identifiers: Orphanet 423, MedGen C2930980, MONDO:0007783, OMIM 145600.
RYR1-related disorder. Also called: RYR1-related condition; RYR1-related disorders. Identifiers: MedGen CN239331.

Allele frequency attached by ClinVar (database versions not stated): gnomAD exomes below 0.00001; gnomAD 0.00003.
gnomAD v4.1: 5 of 1,612,292 alleles (0.00031%); highest among the groups gnomAD compares: African/African-American, 0.0067%; no homozygotes.

Submissions (2):

Color Diagnostics, LLC DBA Color Health
Classification: Uncertain significance for Malignant hyperthermia, susceptibility to, 1. Last evaluated: 2025-09-05. Review status: criteria provided, single submitter. Criteria: ACMG Guidelines, 2015. Collection method: clinical testing. Allele origin: germline.
Comment: This missense variant replaces methionine with leucine at codon 80 of the RYR1 protein. Computational prediction is inconclusive regarding the impact of this variant on protein structure and function. To our knowledge, functional studies have not been reported for this variant. This variant has not been reported in individuals affected with RYR1-related disorders in the literature. This variant has been identified in 1/30956 chromosomes in the general population by the Genome Aggregation Database (gnomAD). The available evidence is insufficient to determine the role of this variant in disease conclusively. Therefore, this variant is classified as a Variant of Uncertain Significance.

Labcorp Genetics (formerly Invitae), Labcorp
Classification: Uncertain significance for RYR1-related disorder. Last evaluated: 2025-07-29. Review status: criteria provided, single submitter. Criteria: Invitae Variant Classification Sherloc (09022015). Collection method: clinical testing. Allele origin: germline.
Comment: This sequence change replaces methionine, which is neutral and non-polar, with leucine, which is neutral and non-polar, at codon 80 of the RYR1 protein (p.Met80Leu). This variant is present in population databases (no rsID available, gnomAD 0.01%). This variant has not been reported in the literature in individuals affected with RYR1-related conditions. ClinVar contains an entry for this variant (Variation ID: 2061594). Invitae Evidence Modeling of protein sequence and biophysical properties (such as structural, functional, and spatial information, amino acid conservation, physicochemical variation, residue mobility, and thermodynamic stability) has been performed for this missense variant. However, the output from this modeling did not meet the statistical confidence thresholds required to predict the impact of this variant on RYR1 protein function. In summary, the available evidence is currently insufficient to determine the role of this variant in disease. Therefore, it has been classified as a Variant of Uncertain Significance.

NM_000540.3(RYR1):c.238A>T (p.Met80Leu)

Gene: RYR1 (ryanodine receptor 1; plus strand). Cytogenetic location: 19q13.2.
Variant type: single nucleotide variant.
Coding change: c.238A>T on transcript NM_000540.3 (MANE Select); coding-DNA position 238, A replaced by T.
Protein change: p.Met80Leu; replaces methionine 80 with leucine.
Molecular consequence: missense variant.
Genome position (GRCh38, 1-based): chr19:38,442,421, A>T. VCF-style: chr19-38442421-A-T. GRCh37 (hg19) VCF-style: chr19-38933061-A-T.
Other names: c.238A>T, p.Met80Leu (NM_001042723.2); short protein forms M80L.
Identifiers: ClinVar variation 2061594 (VCV002061594.4), dbSNP rs966388913, ClinGen allele CA308110159.